The following is an entry in ClinVar:

ClinVar aggregate classification (germline): Uncertain significance (1 of 4 stars; one submission).

Conditions:
Early-infantile DEE. Also called: Early infantile epileptic encephalopathy with suppression bursts; Early infantile epileptic encephalopathy; Ohtahara syndrome. Identifiers: Orphanet 1934, MedGen C0393706, MONDO:0800491.

gnomAD v4.1: 3 of 1,592,454 alleles (0.00019%); highest among the groups gnomAD compares: Admixed American, 0.005%; no homozygotes.

Submission:

Labcorp Genetics (formerly Invitae), Labcorp
Classification: Uncertain significance for Early-infantile DEE. Last evaluated: 2025-12-25. Review status: criteria provided, single submitter. Criteria: Invitae Variant Classification Sherloc (09022015). Collection method: clinical testing. Allele origin: germline.
Comment: This sequence change replaces methionine, which is neutral and non-polar, with isoleucine, which is neutral and non-polar, at codon 68 of the KCNH5 protein (p.Met68Ile). This variant is present in population databases (rs774026617, gnomAD 0.009%). This variant has not been reported in the literature in individuals affected with KCNH5-related conditions. Invitae Evidence Modeling of protein sequence and biophysical properties (such as structural, functional, and spatial information, amino acid conservation, physicochemical variation, residue mobility, and thermodynamic stability) indicates that this missense variant is not expected to disrupt KCNH5 protein function with a negative predictive value of 80%. In summary, the available evidence is currently insufficient to determine the role of this variant in disease. Therefore, it has been classified as a Variant of Uncertain Significance.

NM_139318.5(KCNH5):c.204G>A (p.Met68Ile)

Gene: KCNH5 (potassium voltage-gated channel subfamily H member 5; minus strand). Cytogenetic location: 14q23.2.
Variant type: single nucleotide variant.
Coding change: c.204G>A on transcript NM_139318.5 (MANE Select); coding-DNA position 204, G replaced by A.
Protein change: p.Met68Ile; replaces methionine 68 with isoleucine.
Molecular consequence: missense variant.
Genome position (GRCh38, 1-based): chr14:63,006,466, C>T on the plus strand (G>A on the coding strand, the complement: KCNH5 is on the minus strand). VCF-style: chr14-63006466-C-T. GRCh37 (hg19) VCF-style: chr14-63473184-C-T.
Other names: c.204G>A, p.Met68Ile (NM_172375.3); short protein forms M68I.
Identifiers: ClinVar variation 4702286 (VCV004702286.1).
Genomic context (GRCh38, chr14:63,006,466, plus strand): 5'-GTAGTTGTCAAAAGTTTGCCTGACTTTCTCAATGGTCTTCTTGTCAGTCAATTCCCCATA[C>T]ATAAAACTGGGGGGGAAAAAAAACAAACAATCGATTTCACTTTTGTGTTGCCTTTCAAAT-3'
Protein context (NP_647479.2, residues 58-78): VMQKSSTCSF[Met68Ile]YGELTDKKTI